The following is an entry in ClinVar:

ClinVar aggregate classification (germline): Conflicting classifications of pathogenicity. Review status: criteria provided, conflicting classifications (1 of 4 stars). 2 submissions from 2 submitters: Likely pathogenic (1); Uncertain significance (1). Last evaluated 2024-03-25.

Conditions:
Neuroocular syndrome. Identifiers: MedGen C5551362, MONDO:0859193.

Submissions (2):

Genomic Medicine Center of Excellence, King Faisal Specialist Hospital and Research Centre
Classification: Uncertain significance for Neuroocular syndrome 1. Last evaluated: 2024-03-25. Review status: criteria provided, single submitter. Criteria: ACMG Guidelines, 2015. Collection method: clinical testing. Allele origin: germline.

3billion
Classification: Likely pathogenic for Neuroocular syndrome 1. Last evaluated: 2022-05-22. Review status: criteria provided, single submitter. Criteria: ACMG Guidelines, 2015. Collection method: clinical testing. Allele origin: germline. Affected: yes. Observed: 1 heterozygote.
Comment: The variant is not observed in the gnomAD v2.1.1 dataset. Stop-gained (nonsense): predicted to result in a loss or disruption of normal protein function through nonsense-mediated decay (NMD) or protein truncation. Multiple pathogenic variants are reported downstream of the variant. Therefore, this variant is classified as likely pathogenic according to the recommendation of ACMG/AMP guideline.

NM_020719.3(PRR12):c.3625C>T (p.Arg1209Ter)

Gene: PRR12 (proline rich 12; plus strand). Cytogenetic location: 19q13.33.
Variant type: single nucleotide variant.
Coding change: c.3625C>T on transcript NM_020719.3 (MANE Select); coding-DNA position 3625, C replaced by T.
Protein change: p.Arg1209Ter; replaces arginine 1209 with a stop codon.
Molecular consequence: nonsense.
Genome position (GRCh38, 1-based): chr19:49,597,960, C>T. VCF-style: chr19-49597960-C-T. GRCh37 (hg19) VCF-style: chr19-50101217-C-T.
Other names: short protein forms R1209*.
Identifiers: ClinVar variation 1687383 (VCV001687383.2), dbSNP rs2122304074, ClinGen allele CA406885623.